The following is an entry in ClinVar:

ClinVar aggregate classification (germline): Benign/Likely benign. Review status: criteria provided, multiple submitters, no conflicts (2 of 4 stars). 10 submissions from 10 submitters: Benign (6); Likely benign (2). 2 of the submissions do not count toward it. Last evaluated 2026-01-31.

Conditions:
Primary ciliary dyskinesia. Also called: Ciliary dyskinesia. Identifiers: Orphanet 244, MedGen C0008780, MONDO:0016575, HP:0012265.
Primary ciliary dyskinesia 3. Identifiers: Orphanet 244, MedGen C1837618, MONDO:0012085, OMIM 608644.

Allele frequency attached by ClinVar (database versions not stated): ESP Exome Variant Server 0.01415; TOPMed 0.01469; gnomAD 0.01505; 1000 Genomes Project 30x 0.01874; 1000 Genomes Project 0.01877.
gnomAD v4.1: 4,620 of 1,613,508 alleles (0.29%); highest among the groups gnomAD compares: African/African-American, 4.9%; 103 homozygotes.

Submissions (10):

Labcorp Genetics (formerly Invitae), Labcorp
Classification: Benign for Primary ciliary dyskinesia. Last evaluated: 2026-01-31. Review status: criteria provided, single submitter. Criteria: Invitae Variant Classification Sherloc (09022015). Collection method: clinical testing. Allele origin: germline.

ARUP Laboratories, Molecular Genetics and Genomics, ARUP Laboratories
Classification: Benign for Primary ciliary dyskinesia 3. Last evaluated: 2025-07-17. Review status: criteria provided, single submitter. Criteria: ARUP Molecular Germline Variant Investigation Process 2024. Collection method: clinical testing. Allele origin: germline.

GeneDx
Classification: Likely benign. Last evaluated: 2024-02-23. Review status: criteria provided, single submitter. Criteria: GeneDx Variant Classification Process June 2021. Collection method: clinical testing. Allele origin: germline. Affected: yes.
Comment: See Variant Classification Assertion Criteria.

Illumina Laboratory Services, Illumina
Classification: Benign for Primary ciliary dyskinesia 3. Last evaluated: 2018-01-12. Review status: criteria provided, single submitter. Criteria: ICSL Variant Classification Criteria 13 December 2019. Collection method: clinical testing. Allele origin: germline.
Comment: This variant was observed in the ICSL laboratory as part of a predisposition screen in an ostensibly healthy population. It had not been previously curated by ICSL or reported in the Human Gene Mutation Database (HGMD: prior to June 1st, 2018), and was therefore a candidate for classification through an automated scoring system. Utilizing variant allele frequency, disease prevalence and penetrance estimates, and inheritance mode, an automated score was calculated to assess if this variant is too frequent to cause the disease. Based on the score and internal cut-off values, a variant classified as benign is not then subjected to further curation. The score for this variant resulted in a classification of benign for this disease.

Ambry Genetics
Classification: Benign for Primary ciliary dyskinesia. Last evaluated: 2015-01-16. Review status: criteria provided, single submitter. Criteria: Ambry Variant Classification Scheme 2023. Collection method: clinical testing. Allele origin: germline.

Laboratory for Molecular Medicine, Mass General Brigham Personalized Medicine
Classification: Benign. Last evaluated: 2013-02-21. Review status: criteria provided, single submitter. Criteria: LMM Criteria. Collection method: clinical testing. Allele origin: germline. Observed: 2 variant alleles.
Comment: Val1101Met in exon 22 of DNAH5: This variant is not expected to have clinical si gnificance because it has been identified in 4.1% (180/4406) of African American chromosomes from a broad population by the NHLBI Exome Sequencing Project (dbSNP rs61747516).

Breakthrough Genomics
Classification: Likely benign. Review status: criteria provided, single submitter. Criteria: ACMG Guidelines, 2015. Collection method: not provided. Allele origin: germline. Inheritance: Autosomal recessive inheritance. Affected: yes.

PreventionGenetics, part of Exact Sciences
Classification: Benign. Review status: criteria provided, single submitter. Criteria: ACMG Guidelines, 2015. Collection method: clinical testing. Allele origin: germline.

Natera, Inc.
Classification: Benign for Primary ciliary dyskinesia. Last evaluated: 2020-09-16. Review status: no assertion criteria provided. Collection method: clinical testing. Allele origin: germline. Not counted in ClinVar's aggregate classification.

Counsyl
Classification: Likely benign for Primary ciliary dyskinesia 3. Last evaluated: 2017-03-06. Review status: no assertion criteria provided. Collection method: clinical testing. Allele origin: unknown. Not counted in ClinVar's aggregate classification.

NM_001369.3(DNAH5):c.3301G>A (p.Val1101Met)

Genes: DNAH5 (dynein axonemal heavy chain 5; minus strand), DNAH5-AS1 (DNAH5 antisense RNA 1; plus strand). Cytogenetic location: 5p15.2.
Variant type: single nucleotide variant.
Coding change: c.3301G>A on transcript NM_001369.3 (MANE Select); coding-DNA position 3301, G replaced by A.
Protein change: p.Val1101Met; replaces valine 1101 with methionine.
Molecular consequence: missense variant.
Genome position (GRCh38, 1-based): chr5:13,876,779, C>T on the plus strand (G>A on the coding strand, the complement: DNAH5 is on the minus strand). VCF-style: chr5-13876779-C-T. GRCh37 (hg19) VCF-style: chr5-13876888-C-T.
Other names: short protein forms V1101M.
Identifiers: ClinVar variation 163153 (VCV000163153.35), dbSNP rs61747516, ClinGen allele CA175799.